The following is an entry in ClinVar:

NM_201384.3(PLEC):c.8609G>A (p.Arg2870His)

Gene: PLEC (plectin; minus strand). Cytogenetic location: 8q24.3.
Variant type: single nucleotide variant.
Coding change: c.8609G>A on transcript NM_201384.3 (MANE Select); coding-DNA position 8609, G replaced by A.
Protein change: p.Arg2870His; replaces arginine 2870 with histidine.
Molecular consequence: missense variant.
Genome position (GRCh38, 1-based): chr8:143,921,212, C>T on the plus strand (G>A on the coding strand, the complement: PLEC is on the minus strand). VCF-style: chr8-143921212-C-T. GRCh37 (hg19) VCF-style: chr8-144995380-C-T.
Other names: c.8690G>A, p.Arg2897His (NM_000445.5); c.8567G>A, p.Arg2856His (NM_201378.4); c.8543G>A, p.Arg2848His (NM_201379.3); c.9020G>A, p.Arg3007His (NM_201380.4); c.8513G>A, p.Arg2838His (NM_201381.3); c.8609G>A, p.Arg2870His (NM_201382.4); c.8621G>A, p.Arg2874His (NM_201383.3); c.8690G>A (NM_000445.3); short protein forms R2848H, R2870H, R2838H, R2874H, R2897H, R2856H, R3007H.
Identifiers: ClinVar variation 861461 (VCV000861461.9), dbSNP rs781845486, ClinGen allele CA4925251.

ClinVar aggregate classification (germline): Uncertain significance. Review status: criteria provided, multiple submitters, no conflicts (2 of 4 stars). 3 submissions from 3 submitters: Uncertain significance (3). Last evaluated 2025-12-04.

Conditions:
Inborn genetic diseases. Identifiers: MedGen C0950123, MeSH D030342.
Epidermolysis bullosa simplex 5B, with muscular dystrophy (EBS5B). Also called: Epidermolysis bullosa simplex with muscular dystrophy; EPIDERMOLYSIS BULLOSA SIMPLEX AND LIMB-GIRDLE MUSCULAR DYSTROPHY. Identifiers: Orphanet 257, MedGen C2931072, MONDO:0009181, OMIM 226670.
Epidermolysis bullosa simplex 5C, with pyloric atresia (EBS5C). Also called: PLEC1-Related Epidermolysis Bullosa with Pyloric Atresia; Epidermolysis bullosa simplex with pyloric atresia; PLEC-Related Epidermolysis Bullosa with Pyloric Atresia. Identifiers: Orphanet 158684, MedGen C2677349, MONDO:0012807, OMIM 612138.
Epidermolysis bullosa simplex, Ogna type (EBS5A). Also called: Pidermolysis bullosa simplex 5A, Ogna type; EPIDERMOLYSIS BULLOSA SIMPLEX 5A, OGNA TYPE. Identifiers: Orphanet 79401, MedGen C0432317, MONDO:0007555, OMIM 131950.
Autosomal recessive limb-girdle muscular dystrophy type 2Q (LGMDR17). Also called: MUSCULAR DYSTROPHY, LIMB-GIRDLE, AUTOSOMAL RECESSIVE 17. Identifiers: Orphanet 254361, MedGen C3150989, MONDO:0013390, OMIM 613723.
Epidermolysis bullosa simplex with nail dystrophy (EBS5D). Identifiers: MedGen C4225309, MONDO:0014661, OMIM 616487.

Allele frequency attached by ClinVar (database versions not stated): gnomAD 0.00001; ExAC 0.00003; TOPMed 0.00003; gnomAD exomes 0.00006.
gnomAD v4.1: 39 of 1,613,922 alleles (0.0024%); highest among the groups gnomAD compares: Admixed American, 0.012%; no homozygotes.

Submissions (3):

Ambry Genetics
Classification: Uncertain significance for Inborn genetic diseases. Last evaluated: 2025-12-04. Review status: criteria provided, single submitter. Criteria: Ambry Variant Classification Scheme 2023. Collection method: clinical testing. Allele origin: germline.

Labcorp Genetics (formerly Invitae), Labcorp
Classification: Uncertain significance for Autosomal recessive limb-girdle muscular dystrophy type 2Q; Epidermolysis bullosa simplex, Ogna type; Epidermolysis bullosa simplex with nail dystrophy; Epidermolysis bullosa simplex 5C, with pyloric atresia; Epidermolysis bullosa simplex 5B, with muscular dystrophy. Last evaluated: 2025-08-15. Review status: criteria provided, single submitter. Criteria: Invitae Variant Classification Sherloc (09022015). Collection method: clinical testing. Allele origin: germline.
Comment: This sequence change replaces arginine, which is basic and polar, with histidine, which is basic and polar, at codon 2897 of the PLEC protein (p.Arg2897His). This variant is present in population databases (rs781845486, gnomAD 0.01%). This variant has not been reported in the literature in individuals affected with PLEC-related conditions. ClinVar contains an entry for this variant (Variation ID: 861461). An algorithm developed to predict the effect of missense changes on protein structure and function (PolyPhen-2) suggests that this variant is likely to be disruptive. In summary, the available evidence is currently insufficient to determine the role of this variant in disease. Therefore, it has been classified as a Variant of Uncertain Significance.

Breakthrough Genomics
Classification: Uncertain significance. Review status: criteria provided, single submitter. Criteria: ACMG Guidelines, 2015. Collection method: not provided. Allele origin: germline. Inheritance: Autosomal recessive inheritance. Affected: yes.